The following is an entry in ClinVar:

ClinVar aggregate classification (germline): Uncertain significance (1 of 4 stars; one submission).

Submission:

Labcorp Genetics (formerly Invitae), Labcorp
Classification: Uncertain significance. Last evaluated: 2024-11-11. Review status: criteria provided, single submitter. Criteria: Invitae Variant Classification Sherloc (09022015). Collection method: clinical testing. Allele origin: germline.
Comment: This sequence change replaces histidine, which is basic and polar, with tyrosine, which is neutral and polar, at codon 383 of the TGM6 protein (p.His383Tyr). This variant is not present in population databases (gnomAD no frequency). This variant has not been reported in the literature in individuals affected with TGM6-related conditions. ClinVar contains an entry for this variant (Variation ID: 2094786). Invitae Evidence Modeling of protein sequence and biophysical properties (such as structural, functional, and spatial information, amino acid conservation, physicochemical variation, residue mobility, and thermodynamic stability) indicates that this missense variant is not expected to disrupt TGM6 protein function with a negative predictive value of 80%. In summary, the available evidence is currently insufficient to determine the role of this variant in disease. Therefore, it has been classified as a Variant of Uncertain Significance.

NM_198994.3(TGM6):c.1147C>T (p.His383Tyr)

Gene: TGM6 (transglutaminase 6; plus strand). Cytogenetic location: 20p13.
Variant type: single nucleotide variant.
Coding change: c.1147C>T on transcript NM_198994.3 (MANE Select); coding-DNA position 1147, C replaced by T.
Protein change: p.His383Tyr; replaces histidine 383 with tyrosine.
Molecular consequence: missense variant.
Genome position (GRCh38, 1-based): chr20:2,403,634, C>T. VCF-style: chr20-2403634-C-T. GRCh37 (hg19) VCF-style: chr20-2384280-C-T.
Other names: c.1147C>T, p.His383Tyr (NM_001254734.2); short protein forms H383Y.
Identifiers: ClinVar variation 2094786 (VCV002094786.4), dbSNP rs2514377861, ClinGen allele CA408012802.
Genomic context (GRCh38, chr20:2,403,634, plus strand): 5'-TGCCCAGGTGTGTTCCGGTGCGGCCCAGCCTCAGTCACCGCCATCCGCGAGGGTGATGTG[C>T]ACCTGGCTCACGATGGCCCCTTCGTGTTTGCGGAGGTCAACGCCGACTACATCACCTGGC-3'
Protein context (NP_945345.2, residues 373-393): SVTAIREGDV[His383Tyr]LAHDGPFVFA